The following is an entry in ClinVar:

ClinVar aggregate classification (germline): Likely pathogenic (1 of 4 stars; one submission).

Conditions:
Retinitis pigmentosa 27 (RP27). Identifiers: Orphanet 791, MedGen C1834329, MONDO:0013402, OMIM 613750.

Allele frequency attached by ClinVar (database versions not stated): gnomAD exomes below 0.00001.
gnomAD v4.1: 1 of 1,476,574 alleles (0.000068%); highest among the groups gnomAD compares: Non-Finnish European, 0.00009%; no homozygotes.

Submission:

Diagnostics Services (NGS), CSIR - Centre For Cellular And Molecular Biology
Classification: Likely pathogenic for Retinitis pigmentosa 27. Last evaluated: 2021-07-14. Review status: criteria provided, single submitter. Criteria: ACMG Guidelines, 2015. Collection method: clinical testing. Allele origin: unknown. Inheritance: Autosomal dominant inheritance. Affected: yes. Observed: 1 variant allele, 1 heterozygote.
Comment: The c.619C>T variant variant is not present in publicly available population databases like Exome Variant Server (EVS), 1000 Genomes, Exome Aggregation Consortium (ExAC), Genome Aggregation Database (gnomAD) and dbSNP. The variant is not present in Indian Exome Database and in our in-house exome database. The variant was not earlier reported to ClinVar, Human Genome Mutation Database (HGMD) and/or OMIM databases in any affected individuals. In-silico pathogenicity prediction programs like SIFT, PolyPhen-3, MutationTaster2, CADD, Varsome etc. predicted this variant to be likely disease causing, however these predictions were not confirmed by any established functional studies. Due to lack of enough evidence the variant has been classified as likely pathogenic.

NM_001354768.3(NRL):c.619C>T (p.Arg207Cys)

Genes: NRL (neural retina leucine zipper; minus strand), LOC130055387 (ATAC-STARR-seq lymphoblastoid silent region 5620; plus strand). Cytogenetic location: 14q11.2.
Variant type: single nucleotide variant.
Coding change: c.619C>T on transcript NM_001354768.3 (MANE Select); coding-DNA position 619, C replaced by T.
Protein change: p.Arg207Cys; replaces arginine 207 with cysteine.
Molecular consequence: missense variant.
Genome position (GRCh38, 1-based): chr14:24,081,331, G>A on the plus strand (C>T on the coding strand, the complement: NRL is on the minus strand). VCF-style: chr14-24081331-G-A. GRCh37 (hg19) VCF-style: chr14-24550540-G-A.
Other names: c.619C>T, p.Arg207Cys (NM_001354769.1, NM_006177.5); c.304C>T, p.Arg102Cys (NM_001354770.2); short protein forms R102C, R207C.
Identifiers: ClinVar variation 1329503 (VCV001329503.3), dbSNP rs2036279881, ClinGen allele CA389276868.